The following is an entry in ClinVar:

ClinVar aggregate classification (germline): Uncertain significance (1 of 4 stars; one submission).

Conditions:
Hereditary cancer-predisposing syndrome. Also called: Neoplastic Syndromes, Hereditary; Tumor predisposition; Hereditary Cancer Syndrome; Hereditary neoplastic syndrome. Identifiers: Orphanet 140162, MedGen C0027672, MeSH D009386, MONDO:0015356.

Submission:

Ambry Genetics
Classification: Uncertain significance for Hereditary cancer-predisposing syndrome. Last evaluated: 2026-01-06. Review status: criteria provided, single submitter. Criteria: Ambry Variant Classification Scheme 2023. Collection method: clinical testing. Allele origin: germline.
Comment: The p.G703R variant (also known as c.2107G>C), located in coding exon 17 of the BAP1 gene, results from a G to C substitution at nucleotide position 2107. The glycine at codon 703 is replaced by arginine, an amino acid with dissimilar properties. This amino acid position is conserved. In addition, the in silico prediction for this alteration is inconclusive. Based on the available evidence, the clinical significance of this variant remains unclear.

NM_004656.4(BAP1):c.2107G>C (p.Gly703Arg)

Gene: BAP1 (BRCA1 associated deubiquitinase 1; minus strand). Cytogenetic location: 3p21.1.
Variant type: single nucleotide variant.
Coding change: c.2107G>C on transcript NM_004656.4 (MANE Select); coding-DNA position 2107, G replaced by C.
Protein change: p.Gly703Arg; replaces glycine 703 with arginine.
Molecular consequence: missense variant.
Genome position (GRCh38, 1-based): chr3:52,402,371, C>G on the plus strand (G>C on the coding strand, the complement: BAP1 is on the minus strand). VCF-style: chr3-52402371-C-G. GRCh37 (hg19) VCF-style: chr3-52436387-C-G.
Other names: c.2053G>C, p.Gly685Arg (NM_001410772.1); short protein forms G685R, G703R.
Identifiers: ClinVar variation 4842552 (VCV004842552.1).
Genomic context (GRCh38, chr3:52,402,371, plus strand): 5'-GGCGAGAGCGTTTCCGCCGGTCAGGCTTCCGCTGCTTGTGGAGCCGGCCGATGCTGACCC[C>G]TTGGCGCCGCCGCACGGAGATGTTCTGCTCCACTAGGTTGGCCAGCATGCCTGCGAAGAG-3'
Protein context (NP_004647.1, residues 693-713): EQNISVRRRQ[Gly703Arg]VSIGRLHKQR